The following is an entry in ClinVar:

NC_000023.10:g.(?_77084697)_(77131114_?)del

Gene: MAGT1 (magnesium transporter 1; minus strand). Cytogenetic location: Xq21.1.
Variant type: Deletion.
Identifiers: ClinVar variation 1067533 (VCV001067533.7).

ClinVar aggregate classification (germline): Likely pathogenic (1 of 4 stars; one submission).

Conditions:
X-linked immunodeficiency with magnesium defect, Epstein-Barr virus infection and neoplasia. Identifiers: Orphanet 317476, MedGen C3275445, MONDO:0010455, OMIM 300853.

Submission:

Labcorp Genetics (formerly Invitae), Labcorp
Classification: Likely pathogenic for X-linked immunodeficiency with magnesium defect, Epstein-Barr virus infection and neoplasia. Last evaluated: 2022-08-16. Review status: criteria provided, single submitter. Criteria: Invitae Variant Classification Sherloc (09022015). Collection method: clinical testing. Allele origin: germline.
Comment: This variant is a gross deletion of the genomic region encompassing exon(s) 2-10 of the MAGT1 gene, which includes the termination codon. This deletion extends beyond the assayed region for this gene and therefore may encompass additional genes. While this deletion is not anticipated to lead to nonsense mediated decay, it is expected to alter mRNA translation or result in a truncated protein product. A similar copy number variant has been observed in individual(s) with X-linked immunodeficiency with magnesium defect, Epstein‚ÄìBarr virus infection, and/or neoplasia (PMID: 27770395). Experimental studies and prediction algorithms are not available or were not evaluated, and the functional significance of this variant is currently unknown. In summary, the currently available evidence indicates that the variant is pathogenic, but additional data are needed to prove that conclusively. Therefore, this variant has been classified as Likely Pathogenic.

Literature cited by the submitters: PubMed 27770395.